The following is an entry in ClinVar:

ClinVar aggregate classification (germline): Pathogenic. Review status: criteria provided, multiple submitters, no conflicts (2 of 4 stars). 14 submissions from 14 submitters: Pathogenic (11). 3 of the submissions do not count toward it. Last evaluated 2025-12-17.

Conditions:
Sanfilippo syndrome. Also called: Sanfilippo disease; Mucopolysaccharidosis Type III; Mucopolysaccharidosis type 3. Identifiers: Orphanet 581, MedGen C0026706, MONDO:0018937.
HGSNAT-related disorders.
Mucopolysaccharidosis, MPS-III-C (MPS3C). Also called: MUCOPOLYSACCHARIDOSIS, TYPE IIIC; MPS IIIC (Sanfilippo Syndrome Type C); SANFILIPPO SYNDROME C; mucopolysaccharidosis type 3C; MPS III C; Mucopolysaccharidosis type IIIC (Sanfilippo C). Identifiers: Orphanet 581, Orphanet 79271, MedGen C0086649, MONDO:0009657, OMIM 252930.
Retinitis pigmentosa 73 (RP73). Identifiers: Orphanet 791, MedGen C4225287, MONDO:0014687, OMIM 616544.

Allele frequency attached by ClinVar (database versions not stated): gnomAD 0.00001; ExAC 0.00003; gnomAD exomes 0.00003 and 0.00005; TOPMed 0.00004.
gnomAD v4.1: 39 of 1,546,484 alleles (0.0025%); highest among the groups gnomAD compares: Admixed American, 0.016%; no homozygotes.

Submissions (14):

Labcorp Genetics (formerly Invitae), Labcorp
Classification: Pathogenic for Retinitis pigmentosa 73; Mucopolysaccharidosis, MPS-III-C. Last evaluated: 2025-12-17. Review status: criteria provided, single submitter. Criteria: Invitae Variant Classification Sherloc (09022015). Collection method: clinical testing. Allele origin: germline.
Comment: This sequence change affects a donor splice site in intron 2 of the HGSNAT gene. RNA analysis indicates that disruption of this splice site induces altered splicing and may result in an absent or altered protein product. This variant is present in population databases (rs483352908, gnomAD 0.02%). Disruption of this splice site has been observed in individual(s) with mucopolysaccharidosis type IIIC (PMID: 17033958, 18024218, 19823584, 20825431, 23301227). In at least one individual the data is consistent with being in trans (on the opposite chromosome) from a pathogenic variant. It is commonly reported in individuals of Spanish and Moroccan ancestry (PMID: 18024218, 20825431). ClinVar contains an entry for this variant (Variation ID: 30832). Studies have shown that disruption of this splice site results in skipping of exon 2, and produces a non-functional protein and/or introduces a premature termination codon (PMID: 20825431). For these reasons, this variant has been classified as Pathogenic.

Natera, Inc.
Classification: Pathogenic for Mucopolysaccharidosis type IIIC. Last evaluated: 2025-07-14. Review status: criteria provided, single submitter. Criteria: Natera Variant Classification Schema (03/2026). Collection method: clinical testing. Allele origin: germline.
Comment: The c.234+1G>A variant in HGSNAT is a canonical splice donor site variant predicted to affect pre-mRNA splicing, which may result in an abnormal transcript and altered protein product. This variant is expected to result in nonsense mediated decay, truncation, or a dysfunctional protein product. This variant is rare in the general population with a frequency below the threshold expected for the associated phenotype(s). This variant has been observed in one or more individuals affected with the associated recessive disease, as either homozygous or compound heterozygous with a second variant (PMID: 23301227). Given the available evidence, this variant is classified as Pathogenic.

3billion
Classification: Pathogenic for Mucopolysaccharidosis, MPS-III-C. Last evaluated: 2025-04-21. Review status: criteria provided, single submitter. Criteria: ACMG Guidelines, 2015. Collection method: clinical testing. Allele origin: germline. Affected: yes.
Comment: The variant is observed at an extremely low frequency in the gnomAD v4.1.0 dataset (total allele frequency: 0.003%). Predicted Consequence/Location: Canonical splice site: predicted to alter splicing and result in a loss or disruption of normal protein function. Multiple pathogenic loss-of-function variants are reported downstream of the variant. The variant was homozygous. In silico tools predict the variant to alter splicing and produce an abnormal transcript [SpliceAI: 0.99 (spliceogenicity >=0.2, non-spliceogenicity <0.1)]. The variant has been reported at least twice as pathogenic with clinical assertions and evidence for the classification (ClinVar ID: VCV000030832 / PMID: 17033958). Therefore, this variant is classified as Pathogenic according to the recommendation of ACMG/AMP guideline.

Fulgent Genetics
Classification: Pathogenic for Mucopolysaccharidosis, MPS-III-C; Retinitis pigmentosa 73. Last evaluated: 2024-06-05. Review status: criteria provided, single submitter. Criteria: ACMG Guidelines, 2015. Collection method: clinical testing. Allele origin: germline.

Blueprint Genetics
Classification: Pathogenic for HGSNAT-related disorders. Last evaluated: 2024-05-17. Review status: criteria provided, single submitter. Criteria: ACMG Guidelines, 2015. Collection method: clinical testing. Allele origin: germline. Affected: yes. Observed: 3 variant alleles.

GeneDx
Classification: Pathogenic. Last evaluated: 2023-01-17. Review status: criteria provided, single submitter. Criteria: GeneDx Variant Classification Process June 2021. Collection method: clinical testing. Allele origin: germline. Affected: yes.
Comment: Observed with a pathogenic variant on the opposite allele (in trans) in a patient with MPSIIIC, in the published literature (Huh et al., 2013); Canonical splice site variant predicted to result in a null allele in a gene for which loss-of-function is a known mechanism of disease; This variant is associated with the following publications: (PMID: 20825431, 25525159, 26350204, 28101780, 18024218, 25491247, 27491071, 17397050, 20583299, 19823584, 29981367, 17033958, 31589614, 31228227, 33673364, 23301227)

CeGaT Center for Human Genetics Tuebingen
Classification: Pathogenic. Last evaluated: 2022-05-01. Review status: criteria provided, single submitter. Criteria: CeGaT Center For Human Genetics Tuebingen Variant Classification Criteria Version 2. Collection method: clinical testing. Allele origin: germline. Affected: yes. Observed: 3 variant alleles.
Comment: HGSNAT: PVS1, PM2, PS3:Supporting

Myriad Genetics, Inc.
Classification: Pathogenic for Mucopolysaccharidosis, MPS-III-C. Last evaluated: 2021-11-10. Review status: criteria provided, single submitter. Criteria: Myriad Women's Health Autosomal Recessive and X-Linked Classification Criteria (2021). Collection method: clinical testing. Allele origin: unknown.
Comment: NM_152419.2(HGSNAT):c.234+1G>A is a canonical splice variant classified as pathogenic in the context of mucopolysaccharidosis type IIIC. c.234+1G>A has been observed in cases with relevant disease (PMID: 31228227, 28101780, 25491247, 17033958, 20825431, 23301227, 18024218, 17397050, 27243974, 19823584). Functional assessments of this variant are available in the literature (PMID: 25491247, 20825431). c.234+1G>A has been observed in population frequency databases (gnomAD: AMR 0.02%). In summary, NM_152419.2(HGSNAT):c.234+1G>A is a canonical splice variant in a gene where loss of function is a known mechanism of disease, is predicted to disrupt protein function, and has been observed more frequently in cases with the relevant disease than in healthy populations. Please note: this variant was assessed in the context of healthy population screening.

AiLife Diagnostics
Classification: Pathogenic. Last evaluated: 2021-05-22. Review status: criteria provided, single submitter. Criteria: ACMG Guidelines, 2015. Collection method: clinical testing. Allele origin: germline. Affected: yes. Observed: 1 variant allele.

Women's Health and Genetics/Laboratory Corporation of America, LabCorp
Classification: Pathogenic for Sanfilippo syndrome. Last evaluated: 2019-01-17. Review status: criteria provided, single submitter. Criteria: LabCorp Variant Classification Summary - May 2015. Collection method: clinical testing. Allele origin: germline.
Comment: Variant summary: HGSNAT c.234+1G>A is located in a canonical splice-site and is predicted to affect mRNA splicing resulting in a significantly altered protein due to either exon skipping, shortening, or inclusion of intronic material. Several computational tools predict a significant impact on normal splicing: Five predict the variant abolishes a 5' splicing donor site. At least one publication reports experimental evidence that supports these predictions (Matos_2014). The variant allele was found at a frequency of 4.7e-05 in 232180 control chromosomes (gnomAD). c.234+1G>A has been reported in the literature in multiple individuals affected with Mucopolysaccharidosis Type IIIC (Sanfilippo Syndrome C)(Ruijter_2008, Matos_2014), which homozygous patients were found to have a significant decrease in enzyme activity (Ruijter_2008). These data indicate that the variant is very likely to be associated with disease. Two ClinVar submissions from clinical diagnostic laboratories (evaluation after 2014) cite the variant as pathogenic. Based on the evidence outlined above, the variant was classified as pathogenic.

Eurofins Ntd Llc (ga)
Classification: Pathogenic. Last evaluated: 2014-03-31. Review status: criteria provided, single submitter. Criteria: EGL Classification Definitions 2015. Collection method: clinical testing. Allele origin: germline. Observed: 1 variant allele, 1 homozygote.

OMIM
Classification: Pathogenic for MUCOPOLYSACCHARIDOSIS, TYPE IIIC. Last evaluated: 2011-10-01. Review status: no assertion criteria provided. Collection method: literature only. Allele origin: germline. Not counted in ClinVar's aggregate classification.

Clinical Genetics DNA and cytogenetics Diagnostics Lab, Erasmus MC, Erasmus Medical Center
Classification: Pathogenic. Review status: no assertion criteria provided. Collection method: clinical testing. Allele origin: germline. Affected: yes. Study: VKGL Data-share Consensus. Not counted in ClinVar's aggregate classification.

Joint Genome Diagnostic Labs from Nijmegen and Maastricht, Radboudumc and MUMC+
Classification: Pathogenic. Review status: no assertion criteria provided. Collection method: clinical testing. Allele origin: germline. Affected: yes. Study: VKGL Data-share Consensus. Not counted in ClinVar's aggregate classification.

Literature cited by the submitters: PubMed 17033958 (cited by 5 submitters); PubMed 18024218 (cited by 3 submitters); PubMed 19823584 (cited by Labcorp Genetics (formerly Invitae), Labcorp and Myriad Genetics, Inc.); PubMed 20825431 (cited by 5 submitters); PubMed 23301227 (cited by 5 submitters); PubMed 31228227 (cited by Myriad Genetics, Inc.); PubMed 17397050 (cited by Myriad Genetics, Inc.); PubMed 25491247 (cited by 3 submitters); PubMed 28101780 (cited by Myriad Genetics, Inc.); PubMed 27243974 (cited by Myriad Genetics, Inc.); PubMed 26350204 (cited by AiLife Diagnostics); PubMed 25525159 (cited by AiLife Diagnostics).

NM_152419.3(HGSNAT):c.234+1G>A

Gene: HGSNAT (heparan-alpha-glucosaminide N-acetyltransferase; plus strand). Cytogenetic location: 8p11.21.
Variant type: single nucleotide variant.
Coding change: c.234+1G>A on transcript NM_152419.3 (MANE Select); the canonical splice donor site of the intron after coding-DNA position 234, G replaced by A.
Molecular consequence: splice donor variant.
Genome position (GRCh38, 1-based): chr8:43,147,064, G>A. VCF-style: chr8-43147064-G-A. GRCh37 (hg19) VCF-style: chr8-43002207-G-A.
Other names: IVS2DS, G-A, +1; c.234+1G>A (NM_001363227.2, NM_001363228.2); c.-600+1G>A (NM_001363229.2).
Identifiers: ClinVar variation 30832 (VCV000030832.63), dbSNP rs483352908, ClinGen allele CA129492.